The following is an entry in ClinVar:

NM_032520.5(GNPTG):c.477C>A (p.Tyr159Ter)

Gene: GNPTG (N-acetylglucosamine-1-phosphate transferase subunit gamma; plus strand). Cytogenetic location: 16p13.3.
Variant type: single nucleotide variant.
Coding change: c.477C>A on transcript NM_032520.5 (MANE Select); coding-DNA position 477, C replaced by A.
Protein change: p.Tyr159Ter; replaces tyrosine 159 with a stop codon.
Molecular consequence: nonsense.
Genome position (GRCh38, 1-based): chr16:1,362,271, C>A. VCF-style: chr16-1362271-C-A. GRCh37 (hg19) VCF-style: chr16-1412272-C-A.
Other names: short protein forms Y159*.
Identifiers: ClinVar variation 5012817 (VCV005012817.1).
Genomic context (GRCh38, chr16:1,362,271, plus strand): 5'-GCTGGCGTGTGGAAAAAGCAACCGGCTGGCCCATGTGTCCGAGCCGAGCACCTGCGTCTA[C>A]GCGCTGACGTTCGAGACCCCCCTCGTCTGCCACCCCCACGCCTTGCTAGGTAGGGGTGCG-3'

ClinVar aggregate classification (germline): Pathogenic (1 of 4 stars; one submission).

Conditions:
GNPTG-mucolipidosis. Also called: ML III GAMMA; ML IIIC; MUCOLIPIDOSIS III, COMPLEMENTATION GROUP C; MUCOLIPIDOSIS III, IRANIAN VARIANT FORM; MUCOLIPIDOSIS III, VARIANT FORM; Mucolipidosis type III gamma. Identifiers: Orphanet 423470, Orphanet 577, MedGen C1854896, MONDO:0009652, OMIM 252605.

Submission:

Myriad Genetics, Inc.
Classification: Pathogenic for GNPTG-mucolipidosis. Last evaluated: 2024-03-12. Review status: criteria provided, single submitter. Criteria: Myriad Autosomal Dominant, Autosomal Recessive and X-Linked Classification Criteria (2023). Collection method: clinical testing. Allele origin: unknown.
Comment: NM_032520.4(GNPTG):c.477C>A(Y159*) is expected to be pathogenic in the context of mucolipidosis III gamma. This variant is predicted to lead to an abnormal or absent protein product due to the creation of a premature termination codon in GNPTG, a gene where loss-of-function variants are known to be pathogenic. Please note: this variant was assessed in the context of healthy population screening.